The following is an entry in ClinVar:

ClinVar aggregate classification (germline): Uncertain significance. Review status: criteria provided, multiple submitters, no conflicts (2 of 4 stars). 2 submissions from 2 submitters: Uncertain significance (2). Last evaluated 2022-01-26.

Conditions:
Inborn genetic diseases. Identifiers: MedGen C0950123, MeSH D030342.

Allele frequency attached by ClinVar (database versions not stated): ESP Exome Variant Server 0.00008.
gnomAD v4.1: 23 of 1,614,034 alleles (0.0014%); highest among the groups gnomAD compares: East Asian, 0.0045%; no homozygotes.

Submissions (2):

Labcorp Genetics (formerly Invitae), Labcorp
Classification: Uncertain significance. Last evaluated: 2022-01-26. Review status: criteria provided, single submitter. Criteria: Invitae Variant Classification Sherloc (09022015). Collection method: clinical testing. Allele origin: germline.
Comment: This sequence change replaces proline, which is neutral and non-polar, with arginine, which is basic and polar, at codon 277 of the FKBP10 protein (p.Pro277Arg). This variant is present in population databases (rs149339744, gnomAD 0.002%). This variant has not been reported in the literature in individuals affected with FKBP10-related conditions. Algorithms developed to predict the effect of missense changes on protein structure and function (SIFT, PolyPhen-2, Align-GVGD) all suggest that this variant is likely to be tolerated. In summary, the available evidence is currently insufficient to determine the role of this variant in disease. Therefore, it has been classified as a Variant of Uncertain Significance.

Ambry Genetics
Classification: Uncertain significance for Inborn genetic diseases. Last evaluated: 2021-11-08. Review status: criteria provided, single submitter. Criteria: Ambry Variant Classification Scheme 2023. Collection method: clinical testing. Allele origin: germline.

NM_021939.4(FKBP10):c.830C>G (p.Pro277Arg)

Gene: FKBP10 (FKBP prolyl isomerase 10; plus strand). Cytogenetic location: 17q21.2.
Variant type: single nucleotide variant.
Coding change: c.830C>G on transcript NM_021939.4 (MANE Select); coding-DNA position 830, C replaced by G.
Protein change: p.Pro277Arg; replaces proline 277 with arginine.
Molecular consequence: missense variant.
Genome position (GRCh38, 1-based): chr17:41,819,312, C>G. VCF-style: chr17-41819312-C-G. GRCh37 (hg19) VCF-style: chr17-39975564-C-G.
Other names: short protein forms P277R.
Identifiers: ClinVar variation 2163118 (VCV002163118.2), dbSNP rs149339744, ClinGen allele CA8566380.